The following is an entry in ClinVar:

ClinVar aggregate classification (germline): Benign. Review status: criteria provided, multiple submitters, no conflicts (2 of 4 stars). 4 submissions from 4 submitters: Benign (4). Last evaluated 2024-07-15.

Conditions:
Developmental and epileptic encephalopathy, 12 (DEE12). Identifiers: MedGen C3150988, MONDO:0013389, OMIM 613722.

Allele frequency attached by ClinVar (database versions not stated): ExAC 0.97490; gnomAD exomes 0.97695 and 0.97791; 1000 Genomes Project 0.98103; ESP Exome Variant Server 0.98162; 1000 Genomes Project 30x 0.98204; gnomAD 0.98277 and 0.98398; TOPMed 0.98339.
gnomAD v4.1: 1,565,650 of 1,600,326 alleles (98%); highest among the groups gnomAD compares: East Asian, 100%; 766,077 homozygotes.

Submissions (4):

Unidad de Genómica Garrahan, Hospital de Pediatría Garrahan
Classification: Benign. Last evaluated: 2024-07-15. Review status: criteria provided, single submitter. Criteria: ACMG Guidelines, 2015. Collection method: clinical testing. Allele origin: germline. Affected: no. Observed: 93 variant alleles.
Comment: This variant is classified as Benign based on local population frequency. This variant was detected in 100% of patients studied in a panel designed for Epileptic and Developmental Encephalopathy and Progressive Myoclonus Epilepsy. Number of patients: 93. Only high quality variants are reported.

Genome-Nilou Lab
Classification: Benign for Developmental and epileptic encephalopathy, 12. Last evaluated: 2021-09-05. Review status: criteria provided, single submitter. Criteria: ACMG Guidelines, 2015. Collection method: clinical testing. Allele origin: germline. Affected: no.

GeneDx
Classification: Benign. Last evaluated: 2020-11-20. Review status: criteria provided, single submitter. Criteria: GeneDx Variant Classification Process June 2021. Collection method: clinical testing. Allele origin: germline. Affected: yes.

Breakthrough Genomics
Classification: Benign. Review status: criteria provided, single submitter. Criteria: ACMG Guidelines, 2015. Collection method: not provided. Allele origin: germline. Inheritance: Autosomal recessive inheritance. Affected: yes.

NM_015192.4(PLCB1):c.1889-43G>A

Gene: PLCB1 (phospholipase C beta 1; plus strand). Cytogenetic location: 20p12.3.
Variant type: single nucleotide variant.
Coding change: c.1889-43G>A on transcript NM_015192.4 (MANE Select); 43 bases into the intron before coding-DNA position 1889, G replaced by A.
Molecular consequence: intron variant.
Genome position (GRCh38, 1-based): chr20:8,733,195, G>A. VCF-style: chr20-8733195-G-A. GRCh37 (hg19) VCF-style: chr20-8713842-G-A.
Other names: c.1889-43G>A (NM_182734.3).
Identifiers: ClinVar variation 1295428 (VCV001295428.7), dbSNP rs993670, ClinGen allele CA9760105.